The following is an entry in ClinVar:

NM_004859.4(CLTC):c.985G>A (p.Val329Met)

Gene: CLTC (clathrin heavy chain; plus strand). Cytogenetic location: 17q23.1.
Variant type: single nucleotide variant.
Coding change: c.985G>A on transcript NM_004859.4 (MANE Select); coding-DNA position 985, G replaced by A.
Protein change: p.Val329Met; replaces valine 329 with methionine.
Molecular consequence: missense variant.
Genome position (GRCh38, 1-based): chr17:59,660,406, G>A. VCF-style: chr17-59660406-G-A. GRCh37 (hg19) VCF-style: chr17-57737767-G-A.
Other names: c.997G>A, p.Val333Met (NM_001288653.2); short protein forms V329M, V333M.
Identifiers: ClinVar variation 4076553 (VCV004076553.1).

ClinVar aggregate classification (germline): Uncertain significance (1 of 4 stars; one submission).

Submission:

GeneDx
Classification: Uncertain significance. Last evaluated: 2025-02-25. Review status: criteria provided, single submitter. Criteria: GeneDx Variant Classification Process June 2021. Collection method: clinical testing. Allele origin: germline. Affected: yes.
Comment: Not observed at significant frequency in large population cohorts (gnomAD); In silico analysis indicates that this missense variant does not alter protein structure/function; Has not been previously published as pathogenic or benign to our knowledge